The following is an entry in ClinVar:

ClinVar aggregate classification (germline): Uncertain significance (1 of 4 stars; one submission).

Allele frequency attached by ClinVar (database versions not stated): gnomAD 0.00001; gnomAD exomes 0.00001; ExAC 0.00002.
gnomAD v4.1: 9 of 1,612,890 alleles (0.00056%); highest among the groups gnomAD compares: Admixed American, 0.0033%; no homozygotes.

Submission:

Labcorp Genetics (formerly Invitae), Labcorp
Classification: Uncertain significance. Last evaluated: 2022-04-08. Review status: criteria provided, single submitter. Criteria: Invitae Variant Classification Sherloc (09022015). Collection method: clinical testing. Allele origin: germline.
Comment: This sequence change replaces alanine, which is neutral and non-polar, with threonine, which is neutral and polar, at codon 199 of the EIF2AK2 protein (p.Ala199Thr). This variant is present in population databases (rs779876696, gnomAD 0.006%). This variant has not been reported in the literature in individuals affected with EIF2AK2-related conditions. Algorithms developed to predict the effect of missense changes on protein structure and function output the following: SIFT: "Tolerated"; PolyPhen-2: "Benign"; Align-GVGD: "Class C0". The threonine amino acid residue is found in multiple mammalian species, which suggests that this missense change does not adversely affect protein function. In summary, the available evidence is currently insufficient to determine the role of this variant in disease. Therefore, it has been classified as a Variant of Uncertain Significance.

NM_001135651.3(EIF2AK2):c.595G>A (p.Ala199Thr)

Gene: EIF2AK2 (eukaryotic translation initiation factor 2 alpha kinase 2; minus strand). Cytogenetic location: 2p22.2.
Variant type: single nucleotide variant.
Coding change: c.595G>A on transcript NM_001135651.3 (MANE Select); coding-DNA position 595, G replaced by A.
Protein change: p.Ala199Thr; replaces alanine 199 with threonine.
Molecular consequence: missense variant.
Genome position (GRCh38, 1-based): chr2:37,138,362, C>T on the plus strand (G>A on the coding strand, the complement: EIF2AK2 is on the minus strand). VCF-style: chr2-37138362-C-T. GRCh37 (hg19) VCF-style: chr2-37365505-C-T.
Other names: c.595G>A, p.Ala199Thr (NM_001135652.3, NM_002759.4); short protein forms A199T.
Identifiers: ClinVar variation 2113562 (VCV002113562.4), dbSNP rs779876696, ClinGen allele CA1615267.